The following is an entry in ClinVar:

ClinVar aggregate classification (germline): Uncertain significance (1 of 4 stars; one submission).

Conditions:
Inborn genetic diseases. Identifiers: MedGen C0950123, MeSH D030342.

Allele frequency attached by ClinVar (database versions not stated): gnomAD exomes 0.00002.
gnomAD v4.1: 34 of 1,614,054 alleles (0.0021%); highest among the groups gnomAD compares: Non-Finnish European, 0.0028%; no homozygotes.

Submission:

Ambry Genetics
Classification: Uncertain significance for Inborn genetic diseases. Last evaluated: 2020-03-24. Review status: criteria provided, single submitter. Criteria: Ambry Variant Classification Scheme 2023. Collection method: clinical testing. Allele origin: germline.
Comment: The p.K396R variant (also known as c.1187A>G), located in coding exon 13 of the SMC3 gene, results from an A to G substitution at nucleotide position 1187. The lysine at codon 396 is replaced by arginine, an amino acid with highly similar properties. This amino acid position is highly conserved in available vertebrate species. In addition, the in silico prediction for this alteration is inconclusive. Since supporting evidence is limited at this time, the clinical significance of this alteration remains unclear.

NM_005445.4(SMC3):c.1187A>G (p.Lys396Arg)

Gene: SMC3 (structural maintenance of chromosomes 3; plus strand). Cytogenetic location: 10q25.2.
Variant type: single nucleotide variant.
Coding change: c.1187A>G on transcript NM_005445.4 (MANE Select); coding-DNA position 1187, A replaced by G.
Protein change: p.Lys396Arg; replaces lysine 396 with arginine.
Molecular consequence: missense variant.
Genome position (GRCh38, 1-based): chr10:110,584,278, A>G. VCF-style: chr10-110584278-A-G. GRCh37 (hg19) VCF-style: chr10-112344036-A-G.
Other names: short protein forms K396R.
Identifiers: ClinVar variation 1743685 (VCV001743685.2), dbSNP rs2493117670, ClinGen allele CA378383614.